The following is an entry in ClinVar:

NM_001100913.3(PACS2):c.915G>A (p.Met305Ile)

Gene: PACS2 (phosphofurin acidic cluster sorting protein 2; plus strand). Cytogenetic location: 14q32.33.
Variant type: single nucleotide variant.
Coding change: c.915G>A on transcript NM_001100913.3 (MANE Select); coding-DNA position 915, G replaced by A.
Protein change: p.Met305Ile; replaces methionine 305 with isoleucine.
Molecular consequence: missense variant.
Genome position (GRCh38, 1-based): chr14:105,376,881, G>A. VCF-style: chr14-105376881-G-A. GRCh37 (hg19) VCF-style: chr14-105843218-G-A.
Other names: c.690G>A, p.Met230Ile (NM_001243127.3); c.915G>A, p.Met305Ile (NM_015197.4); short protein forms M230I, M305I.
Identifiers: ClinVar variation 2644919 (VCV002644919.24), dbSNP rs2544767132, ClinGen allele CA391179096.
Genomic context (GRCh38, chr14:105,376,881, plus strand): 5'-CCTGGACCTCCTGTATGACACCCTGGACATGGAGCACCCCAGCGACAGCGGCCCCGACAT[G>A]GAGGATGACGACAGCGTCCTCAGCACCCCCAAGCCGAAGCTGCGGTGAGCCCTACAGGGC-3'
Protein context (NP_001094383.2, residues 295-315): MEHPSDSGPD[Met305Ile]EDDDSVLSTP

ClinVar aggregate classification (germline): Uncertain significance (1 of 4 stars; one submission).

Submission:

CeGaT Center for Human Genetics Tuebingen
Classification: Uncertain significance. Last evaluated: 2022-08-01. Review status: criteria provided, single submitter. Criteria: CeGaT Center For Human Genetics Tuebingen Variant Classification Criteria Version 2. Collection method: clinical testing. Allele origin: germline. Affected: yes. Observed: 1 variant allele.
Comment: PACS2: PM2, BP4